The following is an entry in ClinVar:

NM_000405.5(GM2A):c.511G>C (p.Glu171Gln)

Gene: GM2A (ganglioside GM2 activator; plus strand). Cytogenetic location: 5q33.1.
Variant type: single nucleotide variant.
Coding change: c.511G>C on transcript NM_000405.5 (MANE Select); coding-DNA position 511, G replaced by C.
Protein change: p.Glu171Gln; replaces glutamic acid 171 with glutamine.
Molecular consequence: missense variant. On other transcripts: intron variant (1).
Genome position (GRCh38, 1-based): chr5:151,267,380, G>C. VCF-style: chr5-151267380-G-C. GRCh37 (hg19) VCF-style: chr5-150646941-G-C.
Other names: c.413-112G>C (NM_001167607.3); short protein forms E171Q.
Identifiers: ClinVar variation 2003793 (VCV002003793.4), dbSNP rs765976514, ClinGen allele CA361808647.

ClinVar aggregate classification (germline): Uncertain significance (1 of 4 stars; one submission).

Conditions:
Tay-Sachs disease, variant AB. Also called: Gm2-gangliosidosis, ab variant; GM2 Activator Deficiency. Identifiers: Orphanet 309246, MedGen C0268275, MONDO:0010099, OMIM 272750.

gnomAD v4.1: 2 of 1,614,200 alleles (0.00012%); highest among the groups gnomAD compares: African/African-American, 0.0013%; no homozygotes.

Submission:

Labcorp Genetics (formerly Invitae), Labcorp
Classification: Uncertain significance for Tay-Sachs disease, variant AB. Last evaluated: 2022-09-01. Review status: criteria provided, single submitter. Criteria: Invitae Variant Classification Sherloc (09022015). Collection method: clinical testing. Allele origin: germline.
Comment: This sequence change replaces glutamic acid, which is acidic and polar, with glutamine, which is neutral and polar, at codon 171 of the GM2A protein (p.Glu171Gln). This variant is not present in population databases (gnomAD no frequency). This variant has not been reported in the literature in individuals affected with GM2A-related conditions. Algorithms developed to predict the effect of missense changes on protein structure and function output the following: SIFT: "Tolerated"; PolyPhen-2: "Benign"; Align-GVGD: "Class C0". The glutamine amino acid residue is found in multiple mammalian species, which suggests that this missense change does not adversely affect protein function. In summary, the available evidence is currently insufficient to determine the role of this variant in disease. Therefore, it has been classified as a Variant of Uncertain Significance.